The following is an entry in ClinVar:

NM_014956.5(CEP164):c.2065A>G (p.Arg689Gly)

Gene: CEP164 (centrosomal protein 164; plus strand). Cytogenetic location: 11q23.3.
Variant type: single nucleotide variant.
Coding change: c.2065A>G on transcript NM_014956.5 (MANE Select); coding-DNA position 2065, A replaced by G.
Protein change: p.Arg689Gly; replaces arginine 689 with glycine.
Molecular consequence: missense variant.
Genome position (GRCh38, 1-based): chr11:117,390,907, A>G. VCF-style: chr11-117390907-A-G. GRCh37 (hg19) VCF-style: chr11-117261623-A-G.
Other names: c.2074A>G, p.Arg692Gly (NM_001271933.2); short protein forms R692G, R689G.
Identifiers: ClinVar variation 1982543 (VCV001982543.2), dbSNP rs2541871061, ClinGen allele CA382721972.

ClinVar aggregate classification (germline): Uncertain significance. Review status: criteria provided, multiple submitters, no conflicts (2 of 4 stars). 2 submissions from 2 submitters: Uncertain significance (2). Last evaluated 2024-05-22.

Conditions:
Nephronophthisis 15 (NPHP15). Identifiers: Orphanet 3156, MedGen C3541853, MONDO:0013917, OMIM 614845.

Allele frequency attached by ClinVar (database versions not stated): gnomAD exomes below 0.00001.
gnomAD v4.1: 1 of 1,613,896 alleles (0.000062%); highest among the groups gnomAD compares: Non-Finnish European, 0.000085%; no homozygotes.

Submissions (2):

Fulgent Genetics
Classification: Uncertain significance for Nephronophthisis 15. Last evaluated: 2024-05-22. Review status: criteria provided, single submitter. Criteria: ACMG Guidelines, 2015. Collection method: clinical testing. Allele origin: germline.

Labcorp Genetics (formerly Invitae), Labcorp
Classification: Uncertain significance for Nephronophthisis 15. Last evaluated: 2022-02-10. Review status: criteria provided, single submitter. Criteria: Invitae Variant Classification Sherloc (09022015). Collection method: clinical testing. Allele origin: germline.
Comment: This sequence change replaces arginine, which is basic and polar, with glycine, which is neutral and non-polar, at codon 689 of the CEP164 protein (p.Arg689Gly). This variant is not present in population databases (gnomAD no frequency). This variant has not been reported in the literature in individuals affected with CEP164-related conditions. Algorithms developed to predict the effect of missense changes on protein structure and function are either unavailable or do not agree on the potential impact of this missense change (SIFT: "Deleterious"; PolyPhen-2: "Probably Damaging"; Align-GVGD: "Class C0"). In summary, the available evidence is currently insufficient to determine the role of this variant in disease. Therefore, it has been classified as a Variant of Uncertain Significance.